The following is an entry in ClinVar:

ClinVar aggregate classification (germline): Pathogenic. Review status: criteria provided, multiple submitters, no conflicts (2 of 4 stars). 6 submissions from 6 submitters: Pathogenic (5). 1 of the submissions does not count toward it. Last evaluated 2025-04-09.

Conditions:
Congenital myasthenic syndrome 3B (CMS3B). Also called: Myasthenic syndrome, congenital, 3B, fast-channel. Identifiers: Orphanet 590, MedGen C4225371, MONDO:0014584, OMIM 616322.
Congenital myasthenic syndrome 3C. Also called: Myasthenic syndrome, congenital, 3c, associated with acetylcholine receptor deficiency. Identifiers: Orphanet 590, MedGen C4225370, MONDO:0014585, OMIM 616323.
Lethal multiple pterygium syndrome (LMPS). Identifiers: Orphanet 33108, MedGen C1854678, MONDO:0009668, OMIM 253290.
Congenital myasthenic syndrome 3A. Also called: Myasthenic syndrome, congenital, 3a, slow-channel. Identifiers: Orphanet 590, MedGen C4225372, MONDO:0014583, OMIM 616321.

Allele frequency attached by ClinVar (database versions not stated): TOPMed below 0.00001; gnomAD 0.00001; ExAC 0.00002; gnomAD exomes 0.00002.
gnomAD v4.1: 6 of 1,613,228 alleles (0.00037%); highest among the groups gnomAD compares: African/African-American, 0.0013%; no homozygotes.

Submissions (6):

First Genomix Gene Laboratory, Genetic Diagnostics Department
Classification: Pathogenic for Congenital myasthenic syndrome 3C; Lethal multiple pterygium syndrome; Congenital myasthenic syndrome 3B. Last evaluated: 2025-04-09. Review status: criteria provided, single submitter. Criteria: ACMG Guidelines, 2015. Collection method: clinical testing. Allele origin: germline. Inheritance: Autosomal recessive inheritance. Affected: no. Observed: 1 variant allele.

Labcorp Genetics (formerly Invitae), Labcorp
Classification: Pathogenic for Lethal multiple pterygium syndrome. Last evaluated: 2025-01-23. Review status: criteria provided, single submitter. Criteria: Invitae Variant Classification Sherloc (09022015). Collection method: clinical testing. Allele origin: germline.
Comment: This sequence change creates a premature translational stop signal (p.Trp78*) in the CHRND gene. It is expected to result in an absent or disrupted protein product. Loss-of-function variants in CHRND are known to be pathogenic (PMID: 11435464, 25264167). This variant is present in population databases (rs121909505, gnomAD 0.007%). This premature translational stop signal has been observed in individual(s) with severe fetal akinesia sequence disorder (PMID: 18252226). ClinVar contains an entry for this variant (Variation ID: 18368). Algorithms developed to predict the effect of sequence changes on RNA splicing suggest that this variant may disrupt the consensus splice site. For these reasons, this variant has been classified as Pathogenic.

Kariminejad - Najmabadi Pathology & Genetics Center
Classification: Pathogenic for Congenital myasthenic syndrome 3A; Congenital myasthenic syndrome 3C; Congenital myasthenic syndrome 3B. Last evaluated: 2024-04-02. Review status: criteria provided, single submitter. Criteria: ACMG Guidelines, 2015. Collection method: clinical testing. Allele origin: germline. Inheritance: Autosomal recessive inheritance. Affected: yes.
Comment: (PVS1,PM2,PP5_Moderate)

MGZ Medical Genetics Center
Classification: Pathogenic for Congenital myasthenic syndrome 3B. Last evaluated: 2022-07-15. Review status: criteria provided, single submitter. Criteria: ACMG Guidelines, 2015. Collection method: clinical testing. Allele origin: germline. Affected: yes. Observed: 2 variant alleles.
Comment: ACMG criteria applied: PVS1, PM2_SUP, PP1

CeGaT Center for Human Genetics Tuebingen
Classification: Pathogenic. Last evaluated: 2017-02-01. Review status: criteria provided, single submitter. Criteria: CeGaT Center For Human Genetics Tuebingen Variant Classification Criteria Version 2. Collection method: clinical testing. Allele origin: germline. Affected: yes. Observed: 1 variant allele.

OMIM
Classification: Pathogenic for MULTIPLE PTERYGIUM SYNDROME, LETHAL TYPE. Last evaluated: 2008-02-01. Review status: no assertion criteria provided. Collection method: literature only. Allele origin: germline. Not counted in ClinVar's aggregate classification.

Literature cited by the submitters: PubMed 11435464 (cited by Labcorp Genetics (formerly Invitae), Labcorp); PubMed 25264167 (cited by Labcorp Genetics (formerly Invitae), Labcorp); PubMed 18252226 (cited by Labcorp Genetics (formerly Invitae), Labcorp and OMIM).

NM_000751.3(CHRND):c.234G>A (p.Trp78Ter)

Gene: CHRND (cholinergic receptor nicotinic delta subunit; plus strand). Cytogenetic location: 2q37.1.
Variant type: single nucleotide variant.
Coding change: c.234G>A on transcript NM_000751.3 (MANE Select); coding-DNA position 234, G replaced by A.
Protein change: p.Trp78Ter; replaces tryptophan 78 with a stop codon.
Molecular consequence: nonsense. On other transcripts: 5 prime UTR variant (2), intron variant (1).
Genome position (GRCh38, 1-based): chr2:232,527,436, G>A. VCF-style: chr2-232527436-G-A. GRCh37 (hg19) VCF-style: chr2-233392146-G-A.
Other names: W57*; c.-38G>A (NM_001311195.2, NM_001311196.2); c.198+762G>A (NM_001256657.2); short protein forms W78*.
Identifiers: ClinVar variation 18368 (VCV000018368.52), dbSNP rs121909505, ClinGen allele CA128067.
Genomic context (GRCh38, chr2:232,527,436, plus strand): 5'-GGATGGCCCTACCGTCTAATTACAGAAAGAAGTTGAGGAGACCCTCACTACCAATGTGTG[G>A]ATAGAGCACGTAAGAATGCCCCTCCCAGCCGGGCGCAGTGGCTCATGCCTGTAATCCCAG-3'